The following is an entry in ClinVar:

NM_001354930.2(RIPK1):c.1249C>A (p.His417Asn)

Gene: RIPK1 (receptor interacting serine/threonine kinase 1; plus strand). Cytogenetic location: 6p25.2.
Variant type: single nucleotide variant.
Coding change: c.1249C>A on transcript NM_001354930.2 (MANE Select); coding-DNA position 1249, C replaced by A.
Protein change: p.His417Asn; replaces histidine 417 with asparagine.
Molecular consequence: missense variant.
Genome position (GRCh38, 1-based): chr6:3,105,724, C>A. VCF-style: chr6-3105724-C-A. GRCh37 (hg19) VCF-style: chr6-3105958-C-A.
Other names: c.760C>A, p.His254Asn (NM_001317061.3, NM_001354932.2, NM_001354933.2 and 1 more transcripts); c.1111C>A, p.His371Asn (NM_001354931.2); c.1249C>A, p.His417Asn (NM_003804.6); short protein forms H417N, H371N, H254N.
Identifiers: ClinVar variation 1472091 (VCV001472091.6), dbSNP rs1760814778, ClinGen allele CA362572167.

ClinVar aggregate classification (germline): Uncertain significance (1 of 4 stars; one submission).

Submission:

Labcorp Genetics (formerly Invitae), Labcorp
Classification: Uncertain significance. Last evaluated: 2022-01-12. Review status: criteria provided, single submitter. Criteria: Invitae Variant Classification Sherloc (09022015). Collection method: clinical testing. Allele origin: germline.
Comment: This variant has not been reported in the literature in individuals affected with RIPK1-related conditions. In summary, the available evidence is currently insufficient to determine the role of this variant in disease. Therefore, it has been classified as a Variant of Uncertain Significance. Algorithms developed to predict the effect of missense changes on protein structure and function are either unavailable or do not agree on the potential impact of this missense change (SIFT: "Not Available"; PolyPhen-2: "Benign"; Align-GVGD: "Not Available"). This variant is not present in population databases (gnomAD no frequency). This sequence change replaces histidine, which is basic and polar, with asparagine, which is neutral and polar, at codon 417 of the RIPK1 protein (p.His417Asn).